The following is an entry in ClinVar:

NM_001035.3(RYR2):c.14683A>C (p.Asn4895His)

Gene: RYR2 (ryanodine receptor 2; plus strand). Cytogenetic location: 1q43.
Variant type: single nucleotide variant.
Coding change: c.14683A>C on transcript NM_001035.3 (MANE Select); coding-DNA position 14683, A replaced by C.
Protein change: p.Asn4895His; replaces asparagine 4895 with histidine.
Molecular consequence: missense variant.
Genome position (GRCh38, 1-based): chr1:237,830,557, A>C. VCF-style: chr1-237830557-A-C. GRCh37 (hg19) VCF-style: chr1-237993857-A-C.
Other names: c.14683A>C, p.Asn4895His (LRG_402t1); short protein forms N4895H.
Identifiers: ClinVar variation 651491 (VCV000651491.10), dbSNP rs1185619003, ClinGen allele CA345409688.

ClinVar aggregate classification (germline): Likely pathogenic (1 of 4 stars; one submission).

Conditions:
Catecholaminergic polymorphic ventricular tachycardia 1. Also called: RYR2-Related Catecholaminergic Polymorphic Ventricular Tachycardia; VENTRICULAR TACHYCARDIA, STRESS-INDUCED POLYMORPHIC 1; VENTRICULAR TACHYCARDIA, CATECHOLAMINERGIC POLYMORPHIC, 1, WITH OR WITHOUT ATRIAL DYSFUNCTION AND/OR DILATED CARDIOMYOPATHY. Identifiers: Orphanet 3286, MedGen C1631597, MONDO:0011484, OMIM 604772.

Submission:

Labcorp Genetics (formerly Invitae), Labcorp
Classification: Likely pathogenic for Catecholaminergic polymorphic ventricular tachycardia 1. Last evaluated: 2022-11-29. Review status: criteria provided, single submitter. Criteria: Invitae Variant Classification Sherloc (09022015). Collection method: clinical testing. Allele origin: germline.
Comment: In summary, the currently available evidence indicates that the variant is pathogenic, but additional data are needed to prove that conclusively. Therefore, this variant has been classified as Likely Pathogenic. This variant disrupts the p.Asn4895 amino acid residue in RYR2. Other variant(s) that disrupt this residue have been determined to be pathogenic (PMID: 12093772). This suggests that this residue is clinically significant, and that variants that disrupt this residue are likely to be disease-causing. Advanced modeling of protein sequence and biophysical properties (such as structural, functional, and spatial information, amino acid conservation, physicochemical variation, residue mobility, and thermodynamic stability) performed at Invitae indicates that this missense variant is expected to disrupt RYR2 protein function. This sequence change replaces asparagine, which is neutral and polar, with histidine, which is basic and polar, at codon 4895 of the RYR2 protein (p.Asn4895His). This variant is not present in population databases (gnomAD no frequency). This variant has not been reported in the literature in individuals affected with RYR2-related conditions. ClinVar contains an entry for this variant (Variation ID: 651491).

Literature cited by the submitters: PubMed 12093772.